The following is an entry in ClinVar:

NM_018294.6(CWF19L1):c.1045-2A>C

Gene: CWF19L1 (CWF19 like cell cycle control factor 1; minus strand). Cytogenetic location: 10q24.31.
Variant type: single nucleotide variant.
Coding change: c.1045-2A>C on transcript NM_018294.6 (MANE Select); the canonical splice acceptor site of the intron before coding-DNA position 1045, A replaced by C.
Molecular consequence: splice acceptor variant.
Genome position (GRCh38, 1-based): chr10:100,238,233, T>G on the plus strand (A>C on the coding strand, the complement: CWF19L1 is on the minus strand). VCF-style: chr10-100238233-T-G. GRCh37 (hg19) VCF-style: chr10-101997990-T-G.
Other names: c.634-2A>C (NM_001303406.2, NM_001303405.2); c.310-2A>C (NM_001303407.2); c.1045-2A>C (NM_001303404.2).
Identifiers: ClinVar variation 2429271 (VCV002429271.4), dbSNP rs1424478086, ClinGen allele CA378162449.

ClinVar aggregate classification (germline): Likely pathogenic (1 of 4 stars; one submission).

Conditions:
Autosomal recessive spinocerebellar ataxia 17. Identifiers: Orphanet 453521, MedGen C4015301, MONDO:0014503, OMIM 616127.

Allele frequency attached by ClinVar (database versions not stated): gnomAD exomes 0.00001; TOPMed 0.00001.
gnomAD v4.1: 12 of 1,613,980 alleles (0.00074%); highest among the groups gnomAD compares: Admixed American, 0.0017%; no homozygotes.

Submission:

Women's Health and Genetics/Laboratory Corporation of America, LabCorp
Classification: Likely pathogenic for Autosomal recessive spinocerebellar ataxia 17. Last evaluated: 2023-01-11. Review status: criteria provided, single submitter. Criteria: LabCorp Variant Classification Summary - May 2015. Collection method: clinical testing. Allele origin: germline.
Comment: Variant summary: CWF19L1 c.1045-2A>C is located in a canonical splice-site and is predicted to affect mRNA splicing resulting in a significantly altered protein due to either exon skipping, shortening, or inclusion of intronic material. Several computational tools predict a significant impact on normal splicing: Four predict the variant abolishes a canonical 3' acceptor site. However, these predictions have yet to be confirmed by functional studies. The variant allele was found at a frequency of 4e-06 in 251270 control chromosomes (gnomAD). To our knowledge, no occurrence of c.1045-2A>C in individuals affected with Autosomal Recessive Spinocerebellar Ataxia 17 and no experimental evidence demonstrating its impact on protein function have been reported. No clinical diagnostic laboratories have submitted clinical-significance assessments for this variant to ClinVar after 2014. Based on the evidence outlined above, the variant was classified as likely pathogenic.